The following is an entry in ClinVar:

ClinVar aggregate classification (germline): Uncertain significance (1 of 4 stars; one submission).

Submission:

Ambry Genetics
Classification: Uncertain significance. Last evaluated: 2024-11-09. Review status: criteria provided, single submitter. Criteria: Ambry Variant Classification Scheme 2023. Collection method: clinical testing. Allele origin: germline.
Comment: The p.D87G variant (also known as c.260A>G), located in coding exon 2 of the BUB3 gene, results from an A to G substitution at nucleotide position 260. The aspartic acid at codon 87 is replaced by glycine, an amino acid with similar properties. This amino acid position is conserved. In addition, the in silico prediction for this alteration is inconclusive. Based on the available evidence, the clinical significance of this variant remains unclear.

NM_004725.4(BUB3):c.260A>G (p.Asp87Gly)

Gene: BUB3 (BUB3 mitotic checkpoint protein; plus strand). Cytogenetic location: 10q26.13.
Variant type: single nucleotide variant.
Coding change: c.260A>G on transcript NM_004725.4 (MANE Select); coding-DNA position 260, A replaced by G.
Protein change: p.Asp87Gly; replaces aspartic acid 87 with glycine.
Molecular consequence: missense variant.
Genome position (GRCh38, 1-based): chr10:123,155,722, A>G. VCF-style: chr10-123155722-A-G. GRCh37 (hg19) VCF-style: chr10-124915238-A-G.
Other names: c.260A>G, p.Asp87Gly (NM_001007793.3); short protein forms D87G.
Identifiers: ClinVar variation 3483297 (VCV003483297.1).